The following is an entry in ClinVar:

ClinVar aggregate classification (germline): Pathogenic (1 of 4 stars; one submission).

Conditions:
Fanconi anemia complementation group J. Also called: BRIP1-Related Fanconi Anemia. Identifiers: Orphanet 84, MedGen C1836860, MONDO:0012187, OMIM 609054.
Familial cancer of breast. Also called: hereditary breast carcinoma; BREAST CANCER, FAMILIAL; Hereditary breast cancer. Identifiers: Orphanet 227535, MedGen C0346153, MONDO:0016419, OMIM 114480. Disease mechanism: loss of function.

Submission:

Labcorp Genetics (formerly Invitae), Labcorp
Classification: Pathogenic for Hereditary Breast Carcinoma; Fanconi anemia, complementation group J. Last evaluated: 2019-07-04. Review status: criteria provided, single submitter. Criteria: Invitae Variant Classification Sherloc (09022015). Collection method: clinical testing. Allele origin: germline.
Comment: This variant is a gross deletion of the genomic region encompassing exons 2-6 of the BRIP1 gene, which includes the initiator codon. The 5' end of this event is unknown as it extends beyond the assayed region for this gene and therefore may encompass additional genes. The 3' boundary is likely confined to intron 6 of the BRIP1 gene. This is expected to result in an absent or disrupted protein product. This variant has not been reported in the literature in individuals with BRIP1-related conditions. Loss-of-function variants in BRIP1 are known to be pathogenic (PMID: 16116423, 17033622, 21964575). For these reasons, this variant has been classified as Pathogenic.

NC_000017.11:g.(?_61847091)_(61861549_?)del

Gene: BRIP1 (BRCA1 interacting DNA helicase 1; minus strand). Cytogenetic location: 17q23.2.
Variant type: Deletion.
Identifiers: ClinVar variation 830698 (VCV000830698.2).